The following is an entry in ClinVar:

NM_001374353.1(GLI2):c.1217G>C (p.Arg406Thr)

Gene: GLI2 (GLI family zinc finger 2; plus strand). Cytogenetic location: 2q14.2.
Variant type: single nucleotide variant.
Coding change: c.1217G>C on transcript NM_001374353.1 (MANE Select); coding-DNA position 1217, G replaced by C.
Protein change: p.Arg406Thr; replaces arginine 406 with threonine.
Molecular consequence: missense variant.
Genome position (GRCh38, 1-based): chr2:120,975,009, G>C. VCF-style: chr2-120975009-G-C. GRCh37 (hg19) VCF-style: chr2-121732585-G-C.
Other names: c.1268G>C, p.Arg423Thr (NM_001371271.1, NM_005270.5); c.842G>C, p.Arg281Thr (NM_001374354.1); short protein forms R281T, R406T, R423T.
Identifiers: ClinVar variation 3362136 (VCV003362136.1).
Genomic context (GRCh38, chr2:120,975,009, plus strand): 5'-GTGGGTGTGCCCTTCCCCTCTCCCAGGAGCAGCTGGCTGACCTCAAGGAAGATCTGGACA[G>C]GGATGACTGTAAGCAGGAGGCTGAGGTGGTCATCTATGAGACCAACTGCCACTGGGAAGA-3'
Protein context (NP_001361282.1, residues 396-416): QLADLKEDLD[Arg406Thr]DDCKQEAEVV

ClinVar aggregate classification (germline): Uncertain significance (1 of 4 stars; one submission).

gnomAD v4.1: 1 of 1,614,176 alleles (0.000062%); highest among the groups gnomAD compares: South Asian, 0.0011%; no homozygotes.

Submission:

GeneDx
Classification: Uncertain significance. Last evaluated: 2023-06-01. Review status: criteria provided, single submitter. Criteria: GeneDx Variant Classification Process June 2021. Collection method: clinical testing. Allele origin: germline. Affected: yes.
Comment: Not observed at significant frequency in large population cohorts (gnomAD); In silico analysis supports that this missense variant has a deleterious effect on protein structure/function; Has not been previously published as pathogenic or benign to our knowledge